The following is an entry in ClinVar:

NM_000090.4(COL3A1):c.1165A>T (p.Asn389Tyr)

Gene: COL3A1 (collagen type III alpha 1 chain; plus strand). Cytogenetic location: 2q32.2.
Variant type: single nucleotide variant.
Coding change: c.1165A>T on transcript NM_000090.4 (MANE Select); coding-DNA position 1165, A replaced by T.
Protein change: p.Asn389Tyr; replaces asparagine 389 with tyrosine.
Molecular consequence: missense variant.
Genome position (GRCh38, 1-based): chr2:188,994,053, A>T. VCF-style: chr2-188994053-A-T. GRCh37 (hg19) VCF-style: chr2-189858779-A-T.
Other names: p.N389Y:AAT>TAT; p.Asn389Tyr; short protein forms N389Y.
Identifiers: ClinVar variation 199718 (VCV000199718.36), dbSNP rs200394946, ClinGen allele CA004110.

ClinVar aggregate classification (germline): Conflicting classifications of pathogenicity. Review status: criteria provided, conflicting classifications (1 of 4 stars). 12 submissions from 12 submitters: Uncertain significance (7); Benign (1); Likely benign (3). 1 of the submissions does not count toward it. Last evaluated 2026-01-27.

Conditions:
Polymicrogyria with or without vascular-type Ehlers-Danlos syndrome. Identifiers: Orphanet 636941, MedGen C5193040, MONDO:0032688, OMIM 618343.
Ehlers-Danlos syndrome, type 4 (EDSVASC). Also called: Ehlers-Danlos syndrome vascular type; Ehlers Danlos syndrome, ecchymotic type; Ehlers Danlos syndrome, arterial type; Ehlers Danlos syndrome, Sack-Barabas type; Ehlers-Danlos Syndrome Type IV. Identifiers: Orphanet 286, MedGen C0268338, MONDO:0017314, OMIM 130050.
COL3A1-related disorder. Also called: COL3A1-related condition.
Familial thoracic aortic aneurysm and aortic dissection (TAAD). Also called: Thoracic aortic aneurysms and dissections. Identifiers: Orphanet 91387, MedGen C4707243, MONDO:0019625.

Allele frequency attached by ClinVar (database versions not stated): gnomAD 0.00006; TOPMed 0.00006; ExAC 0.00007; gnomAD exomes 0.00010 and 0.00025; ESP Exome Variant Server 0.00015; 1000 Genomes Project 30x 0.00016; 1000 Genomes Project 0.00020.
gnomAD v4.1: 366 of 1,614,098 alleles (0.023%); highest among the groups gnomAD compares: Non-Finnish European, 0.031%; no homozygotes.

Submissions (12):

Labcorp Genetics (formerly Invitae), Labcorp
Classification: Uncertain significance for Ehlers-Danlos syndrome, type 4. Last evaluated: 2026-01-27. Review status: criteria provided, single submitter. Criteria: Invitae Variant Classification Sherloc (09022015). Collection method: clinical testing. Allele origin: germline.
Comment: This sequence change replaces asparagine, which is neutral and polar, with tyrosine, which is neutral and polar, at codon 389 of the COL3A1 protein (p.Asn389Tyr). This variant is present in population databases (rs200394946, gnomAD 0.02%). This missense change has been observed in individual(s) with clinical features of Ehlers-Danlos syndrome or stroke (PMID: 25758994, 31719132). ClinVar contains an entry for this variant (Variation ID: 199718). Invitae Evidence Modeling of protein sequence and biophysical properties (such as structural, functional, and spatial information, amino acid conservation, physicochemical variation, residue mobility, and thermodynamic stability) indicates that this missense variant is not expected to disrupt COL3A1 protein function with a negative predictive value of 95%. In summary, the available evidence is currently insufficient to determine the role of this variant in disease. Therefore, it has been classified as a Variant of Uncertain Significance.

GeneDx
Classification: Uncertain significance. Last evaluated: 2025-12-31. Review status: criteria provided, single submitter. Criteria: GeneDx Variant Classification Process June 2021. Collection method: clinical testing. Allele origin: germline. Affected: yes.
Comment: Reported in an individual with younger-onset small vessel disease (PMID: 31719132); In silico analysis supports that this missense variant has a deleterious effect on protein structure/function; Occurs in the triple helical domain at the Y position in the canonical Gly-X-Y repeat; although this variant may have an effect on normal protein folding and function, missense substitution at the Y position is not a common mechanism of disease (HGMD); This variant is associated with the following publications: (PMID: 34318601, 33974636, 25758994, 31719132)

Women's Health and Genetics/Laboratory Corporation of America, LabCorp
Classification: Uncertain significance. Last evaluated: 2025-11-11. Review status: criteria provided, single submitter. Criteria: LabCorp Variant Classification Summary - May 2015. Collection method: clinical testing. Allele origin: germline.
Comment: Variant summary: COL3A1 c.1165A>T (p.Asn389Tyr) results in a non-conservative amino acid change in the encoded protein sequence. Algorithms developed to predict the effect of missense changes on protein structure and function are either unavailable or do not agree on the potential impact of this missense change. The variant allele was found at a frequency of 0.0001 in 251380 control chromosomes. This frequency is not significantly higher than estimated for disease-causing variants in COL3A1, allowing no conclusion about variant significance. However the frequency in the non-Finnish European subpopulation (0.0003) does exceed the expected maximum pathogenic allele frequency for dominant Ehlers-Danlos associated with COL3A1 (0.0001). c.1165A>T has been observed in the heterozygous state in multiple related individuals affected with clinical features of autosomal dominant vascular-type Ehlers-Danlos syndrome, apparently segregating with disease, however the reported features were not considered strong evidence of causality in the family (Frank_2015). These report(s) do not provide unequivocal conclusions about association of the variant with Polymicrogyria with or without vascular-type Ehlers-Danlos syndrome. To our knowledge, no experimental evidence demonstrating an impact on protein function has been reported. The following publication have been ascertained in the context of this evaluation (PMID: 25758994). ClinVar contains an entry for this variant (Variation ID: 199718). Based on the evidence outlined above, the variant was classified as uncertain significance.

Mayo Clinic Laboratories, Mayo Clinic
Classification: Likely benign. Last evaluated: 2025-05-01. Review status: criteria provided, single submitter. Criteria: ACMG Guidelines, 2015. Collection method: clinical testing. Allele origin: germline. Observed: 1 variant allele.
Comment: BS1, BP4

Molecular Diagnostic Laboratory for Inherited Cardiovascular Disease, Montreal Heart Institute
Classification: Likely benign. Last evaluated: 2025-04-09. Review status: criteria provided, single submitter. Criteria: ACMG Guidelines, 2015. Collection method: clinical testing. Allele origin: germline. Affected: no.
Comment: the same text as in the submission from Mayo Clinic Laboratories, Mayo Clinic above.

Blueprint Genetics
Classification: Likely benign. Last evaluated: 2024-11-21. Review status: criteria provided, single submitter. Criteria: ACMG Guidelines, 2015. Collection method: clinical testing. Allele origin: germline.

All of Us Research Program, National Institutes of Health
Classification: Uncertain significance for Ehlers-Danlos syndrome, type 4. Last evaluated: 2024-07-29. Review status: criteria provided, single submitter. Criteria: ACMG Guidelines, 2015. Collection method: clinical testing. Allele origin: germline. Inheritance: Autosomal dominant inheritance. Observed: 27 variant alleles, 27 heterozygotes.
Comment: This missense variant replaces asparagine with tyrosine at codon 389 of the COL3A1 protein. Computational prediction suggests that this variant may not impact protein structure and function (internally defined REVEL score threshold <= 0.5, PMID: 27666373). To our knowledge, functional studies have not been performed for this variant. This variant has been reported in an individual affected with possible vascular Ehlers-Danlos syndrome (PMID: 25758994). This variant has been identified in 28/282770 chromosomes in the general population by the Genome Aggregation Database (gnomAD). The available evidence is insufficient to determine the role of this variant in disease conclusively. Therefore, this variant is classified as a Variant of Uncertain Significance.

This study involves interpretation of variants in research participants for the purpose of population health screening. Participant phenotype was not available at the time of variant classification. Additional details can be found in publication PMID: 35346344, PMCID: PMC8962531

Color Diagnostics, LLC DBA Color Health
Classification: Uncertain significance for Familial thoracic aortic aneurysm and aortic dissection. Last evaluated: 2024-02-07. Review status: criteria provided, single submitter. Criteria: ACMG Guidelines, 2015. Collection method: clinical testing. Allele origin: germline.
Comment: This missense variant replaces asparagine with tyrosine at codon 389 of the COL3A1 protein. Computational prediction suggests that this variant may not impact protein structure and function (internally defined REVEL score threshold <= 0.5, PMID: 27666373). To our knowledge, functional studies have not been performed for this variant. This variant has been reported in an individual affected with possible vascular Ehlers-Danlos syndrome (PMID: 25758994). This variant has been identified in 28/282770 chromosomes in the general population by the Genome Aggregation Database (gnomAD). The available evidence is insufficient to determine the role of this variant in disease conclusively. Therefore, this variant is classified as a Variant of Uncertain Significance.

Ambry Genetics
Classification: Benign for Familial thoracic aortic aneurysm and aortic dissection. Last evaluated: 2022-09-07. Review status: criteria provided, single submitter. Criteria: Ambry Variant Classification Scheme 2023. Collection method: clinical testing. Allele origin: germline.

Fulgent Genetics
Classification: Uncertain significance for Ehlers-Danlos syndrome, type 4; Polymicrogyria with or without vascular-type Ehlers-Danlos syndrome. Last evaluated: 2021-08-20. Review status: criteria provided, single submitter. Criteria: ACMG Guidelines, 2015. Collection method: clinical testing. Allele origin: unknown.

Revvity Omics, Revvity
Classification: Uncertain significance. Last evaluated: 2021-06-23. Review status: criteria provided, single submitter. Criteria: ACMG Guidelines, 2015. Collection method: clinical testing. Allele origin: germline.

PreventionGenetics, part of Exact Sciences
Classification: Uncertain significance for COL3A1-related condition. Last evaluated: 2024-01-22. Review status: no assertion criteria provided. Collection method: clinical testing. Allele origin: germline. Not counted in ClinVar's aggregate classification.
Comment: The COL3A1 c.1165A>T variant is predicted to result in the amino acid substitution p.Asn389Tyr. This variant has been reported in an individual with possible classical Ehlers-Danlos syndrome (Supplementary results 2, Group 3 and Supplementary Table 4c, Frank et al 2015. PubMed ID: 25758994). This variant was also reported in a study analyzing the frequency of variants identified in small vessel disease (SVD) associated genes in individuals with younger-onset apparently sporadic SVD stroke (Tan et al. 2019. PubMed ID: 31719132) and in a study of individuals with Chiari malformation type 1 (Reported as rs200394946, Table S5, Urbizu et al. 2021. PubMed ID: 33974636). This variant is reported in 0.021% of alleles in individuals of European (Non-Finnish) descent in gnomAD. At this time, the clinical significance of this variant is uncertain due to the absence of conclusive functional and genetic evidence.

Literature cited by the submitters: PubMed 25758994 (cited by 5 submitters); PubMed 31719132 (cited by Labcorp Genetics (formerly Invitae), Labcorp and Mayo Clinic Laboratories, Mayo Clinic); PubMed 33974636 (cited by Mayo Clinic Laboratories, Mayo Clinic).